The following is an entry in ClinVar:

ClinVar aggregate classification (germline): Pathogenic (1 of 4 stars; one submission).

Submission:

GeneDx
Classification: Pathogenic. Last evaluated: 2022-01-27. Review status: criteria provided, single submitter. Criteria: GeneDx Variant Classification Process June 2021. Collection method: clinical testing. Allele origin: germline. Affected: yes.
Comment: Canonical splice site variant predicted to result in a null allele in a gene for which loss-of-function is a known mechanism of disease; Functional studies demonstrated skipping of exon 7, leading to a truncated protein (Hood et al., 2016); Not observed at significant frequency in large population cohorts (gnomAD); This variant is associated with the following publications: (PMID: 26613968, 28475857)

NM_022455.5(NSD1):c.4192+1G>A

Gene: NSD1 (nuclear receptor binding SET domain protein 1; plus strand). Cytogenetic location: 5q35.3.
Variant type: single nucleotide variant.
Coding change: c.4192+1G>A on transcript NM_022455.5 (MANE Select); the canonical splice donor site of the intron after coding-DNA position 4192, G replaced by A.
Molecular consequence: splice donor variant.
Genome position (GRCh38, 1-based): chr5:177,238,508, G>A. VCF-style: chr5-177238508-G-A. GRCh37 (hg19) VCF-style: chr5-176665509-G-A.
Other names: c.4192+1G>A (NM_001409301.1, NM_001409302.1, NM_001409303.1); c.3772+1G>A (NM_001409304.1); c.3439+1G>A (NM_001409305.1); c.3319+1G>A (NM_001409306.1, NM_001409308.1, NM_001409307.1 and 3 more transcripts).
Identifiers: ClinVar variation 1691630 (VCV001691630.3), dbSNP rs2149887853, ClinGen allele CA362341911.